The following is an entry in ClinVar:

NM_000218.3(KCNQ1):c.1338C>G (p.Asp446Glu)

Gene: KCNQ1 (potassium voltage-gated channel subfamily Q member 1; plus strand). Cytogenetic location: 11p15.5.
Variant type: single nucleotide variant.
Coding change: c.1338C>G on transcript NM_000218.3 (MANE Select); coding-DNA position 1338, C replaced by G.
Protein change: p.Asp446Glu; replaces aspartic acid 446 with glutamic acid.
Molecular consequence: missense variant.
Genome position (GRCh38, 1-based): chr11:2,588,799, C>G. VCF-style: chr11-2588799-C-G. GRCh37 (hg19) VCF-style: chr11-2610029-C-G.
Other names: c.1338C>G (LRG_287t1); c.1242C>G, p.Asp414Glu (NM_001406836.1); c.1068C>G, p.Asp356Glu (NM_001406837.1); c.798C>G, p.Asp266Glu (NM_001406838.1); c.957C>G, p.Asp319Glu (NM_181798.2); short protein forms D446E, D319E, D414E, D356E, D266E.
Identifiers: ClinVar variation 67025 (VCV000067025.18), dbSNP rs199472780, ClinGen allele CA005607.

ClinVar aggregate classification (germline): Conflicting classifications of pathogenicity. Review status: criteria provided, conflicting classifications (1 of 4 stars). 6 submissions from 6 submitters: Uncertain significance (4); Likely benign (1). 1 of the submissions does not count toward it. Last evaluated 2026-02-18.

Conditions:
Cardiac arrhythmia. Also called: Arrhythmia; Cardiac rhythm disease. Identifiers: MedGen C0003811, MONDO:0007263, HP:0011675.
KCNQ1-related disorder. Also called: KCNQ1-related condition; KCNQ1-related disorders. Identifiers: MedGen CN239322.
Familial long QT syndrome (RWS). Also called: Congenital long QT syndrome; Romano-Ward syndrome; VENTRICULAR FIBRILLATION WITH PROLONGED QT INTERVAL. Identifiers: Orphanet 768, MedGen C1141890, MONDO:0019171.
Long QT syndrome (LQTS). Identifiers: MedGen C0023976, MeSH D008133, MONDO:0002442. Disease mechanism: loss of function. Inheritance: Various modes of inheritance.

Allele frequency attached by ClinVar (database versions not stated): ExAC 0.00008.
gnomAD v4.1: 20 of 1,613,166 alleles (0.0012%); highest among the groups gnomAD compares: Admixed American, 0.032%; 1 homozygote.

Submissions (6):

PreventionGenetics, part of Exact Sciences
Classification: Uncertain significance for KCNQ1-related condition. Last evaluated: 2026-02-18. Review status: criteria provided, single submitter. Criteria: ACMG Guidelines, 2015. Collection method: clinical testing. Allele origin: germline.
Comment: The KCNQ1 c.1338C>G variant is predicted to result in the amino acid substitution p.Asp446Glu. This variant was reported in several individuals with long QT syndrome (Table S1, Kapplinger et al. 2009. PubMed ID: 19716085; Table 1, Márquez et al. 2015. PubMed ID: 25661095). This variant is reported in 0.052% of alleles in individuals of Latino descent in gnomAD. At this time, the clinical significance of this variant is uncertain due to the absence of conclusive functional and genetic evidence.

GeneDx
Classification: Uncertain significance. Last evaluated: 2025-06-16. Review status: criteria provided, single submitter. Criteria: GeneDx Variant Classification Process June 2021. Collection method: clinical testing. Allele origin: germline. Affected: yes.
Comment: In silico analysis suggests that this missense variant does not alter protein structure/function; This variant is associated with the following publications: (PMID: 19716085, 38256028, 25661095)

Labcorp Genetics (formerly Invitae), Labcorp
Classification: Likely benign for Long QT syndrome. Last evaluated: 2025-02-10. Review status: criteria provided, single submitter. Criteria: Invitae Variant Classification Sherloc (09022015). Collection method: clinical testing. Allele origin: germline.

All of Us Research Program, National Institutes of Health
Classification: Uncertain significance for Long QT syndrome. Last evaluated: 2024-08-23. Review status: criteria provided, single submitter. Criteria: ACMG Guidelines, 2015. Collection method: clinical testing. Allele origin: germline. Inheritance: Autosomal dominant inheritance. Observed: 10 variant alleles, 10 heterozygotes.
Comment: This missense variant replaces aspartic acid with glutamic acid at codon 446 of the KCNQ1 protein. Computational prediction is inconclusive regarding the impact of this variant on protein structure and function (internally defined REVEL score threshold 0.5 < inconclusive < 0.7, PMID: 27666373). A functional study has shown that this variant causes abnormal channel function when expressed in a homozygous state in HEK293 cells, while the differences between the heterozygous and wild-type forms are not significant (PMID: 38256028). This variant has been reported in an individual affected with long QT syndrome (PMID: 25661095), in four other probands suspected of having the condition, and in several unaffected family members (PMID:19716085, 38256028). This variant has been identified in 18/250294 chromosomes in the general population by the Genome Aggregation Database (gnomAD). The available evidence is insufficient to determine the role of this variant in disease conclusively. Therefore, this variant is classified as a Variant of Uncertain Significance.

This study involves interpretation of variants in research participants for the purpose of population health screening. Participant phenotype was not available at the time of variant classification. Additional details can be found in publication PMID: 35346344, PMCID: PMC8962531

Color Diagnostics, LLC DBA Color Health
Classification: Uncertain significance for Cardiac arrhythmia. Last evaluated: 2024-04-15. Review status: criteria provided, single submitter. Criteria: ACMG Guidelines, 2015. Collection method: clinical testing. Allele origin: germline.
Comment: This missense variant replaces aspartic acid with glutamic acid at codon 446 of the KCNQ1 protein. Computational prediction is inconclusive regarding the impact of this variant on protein structure and function (internally defined REVEL score threshold 0.5 < inconclusive < 0.7, PMID: 27666373). A functional study has shown that this variant causes abnormal channel function when expressed in a homozygous state in HEK293 cells, while the differences between the heterozygous and wild-type forms are not significant (PMID: 38256028). This variant has been reported in an individual affected with long QT syndrome (PMID: 25661095), in four other probands suspected of having the condition, and in several unaffected family members (PMID:19716085, 38256028). This variant has been identified in 18/250294 chromosomes in the general population by the Genome Aggregation Database (gnomAD). The available evidence is insufficient to determine the role of this variant in disease conclusively. Therefore, this variant is classified as a Variant of Uncertain Significance.

Cardiovascular Biomedical Research Unit, Royal Brompton & Harefield NHS Foundation Trust
No classification provided. Condition: Familial long QT syndrome. Review status: no classification provided. Collection method: literature only. Allele origin: germline. Not counted in ClinVar's aggregate classification.
Comment: This variant has been reported as associated with Long QT syndrome in the following publications (PMID:19716085). This is a literature report, and does not necessarily reflect the clinical interpretation of the Imperial College / Royal Brompton Cardiovascular Genetics laboratory.

Literature cited by the submitters: PubMed 19716085 (cited by 3 submitters); PubMed 25661095 (cited by All of Us Research Program, National Institutes of Health and Color Diagnostics, LLC DBA Color Health); PubMed 38256028 (cited by All of Us Research Program, National Institutes of Health and Color Diagnostics, LLC DBA Color Health); PubMed 22581653 (cited by Cardiovascular Biomedical Research Unit, Royal Brompton & Harefield NHS Foundation Trust).